The following is an entry in ClinVar:

ClinVar aggregate classification (germline): Likely benign (0 of 4 stars; one submission).

Conditions:
ITPR1-related disorder. Also called: ITPR1-related condition.

Allele frequency attached by ClinVar (database versions not stated): gnomAD exomes below 0.00001; TOPMed below 0.00001; gnomAD 0.00001.
gnomAD v4.1: 8 of 1,614,024 alleles (0.0005%); highest among the groups gnomAD compares: South Asian, 0.0011%; no homozygotes.

Submission:

PreventionGenetics, part of Exact Sciences
Classification: Likely benign for ITPR1-related condition. Last evaluated: 2022-08-30. Review status: no assertion criteria provided. Collection method: clinical testing. Allele origin: germline.
Comment: This variant is classified as likely benign based on ACMG/AMP sequence variant interpretation guidelines (Richards et al. 2015 PMID: 25741868, with internal and published modifications).

NM_001378452.1(ITPR1):c.7011G>A (p.Lys2337=)

Gene: ITPR1 (inositol 1,4,5-trisphosphate receptor type 1; plus strand). Cytogenetic location: 3p26.1.
Variant type: single nucleotide variant.
Coding change: c.7011G>A on transcript NM_001378452.1 (MANE Select); coding-DNA position 7011, G replaced by A.
Protein change: p.Lys2337=; no amino-acid change (lysine 2337 retained).
Molecular consequence: synonymous variant.
Genome position (GRCh38, 1-based): chr3:4,800,504, G>A. VCF-style: chr3-4800504-G-A. GRCh37 (hg19) VCF-style: chr3-4842188-G-A.
Other names: c.6867G>A, p.Lys2289= (NM_001099952.4); c.6966G>A, p.Lys2322= (NM_001168272.2); c.6822G>A, p.Lys2274= (NM_002222.7).
Identifiers: ClinVar variation 3049300 (VCV003049300.2), dbSNP rs1404381595, ClinGen allele CA432324393.